The following is an entry in ClinVar:

NC_000007.13:g.(?_6026380)_(6038916_?)del

Gene: PMS2 (PMS1 homolog 2, mismatch repair system component; minus strand). Cytogenetic location: 7p22.1.
Variant type: Deletion.
Identifiers: ClinVar variation 1071165 (VCV001071165.5).

ClinVar aggregate classification (germline): Pathogenic (1 of 4 stars; one submission).

Conditions:
Hereditary nonpolyposis colorectal neoplasms. Identifiers: MedGen C0009405, MeSH D003123.

Submission:

Labcorp Genetics (formerly Invitae), Labcorp
Classification: Pathogenic for Hereditary nonpolyposis colorectal neoplasms. Last evaluated: 2022-05-04. Review status: criteria provided, single submitter. Criteria: Invitae Variant Classification Sherloc (09022015). Collection method: clinical testing. Allele origin: germline.
Comment: This variant is a gross deletion of the genomic region encompassing exon(s) 6-12 of the PMS2 gene. This deletion is out-of-frame, and is expected to create a premature termination codon and result in an absent or disrupted protein product. Loss-of-function variants in PMS2 are known to be pathogenic (PMID: 21376568, 24362816). This variant has not been reported in the literature in individuals affected with PMS2-related conditions. For these reasons, this variant has been classified as Pathogenic.

Literature cited by the submitters: PubMed 21376568; PubMed 24362816.